The following is an entry in ClinVar:

ClinVar aggregate classification (germline): Uncertain significance. Review status: criteria provided, multiple submitters, no conflicts (2 of 4 stars). 5 submissions from 5 submitters: Uncertain significance (5). Last evaluated 2025-02-19.

Conditions:
Inborn genetic diseases. Identifiers: MedGen C0950123, MeSH D030342.
Peroxisome biogenesis disorder 4A (Zellweger) (PBD4A). Also called: Zellweger syndrome spectrum (PEX6-related). Identifiers: Orphanet 912, MedGen C3553936, MONDO:0013930, OMIM 614862. Disease mechanism: loss of function.
Peroxisome biogenesis disorder 4B (PBD4B). Also called: SPINOCEREBELLAR ATAXIA WITH BLINDNESS AND DEAFNESS 1. Identifiers: Orphanet 44, Orphanet 95433, MedGen C3553937, MONDO:0013931, OMIM 614863.
Heimler syndrome 2 (HMLR2). Also called: PEROXISOME BIOGENESIS DISORDER 4C. Identifiers: Orphanet 3220, MedGen C4225267, OMIM 616617, MONDO:0014709.
Peroxisome biogenesis disorder. Identifiers: Orphanet 79189, MedGen C1832200, MONDO:0019234. Disease mechanism: loss of function.

Allele frequency attached by ClinVar (database versions not stated): gnomAD 0.00001; TOPMed 0.00001; ESP Exome Variant Server 0.00008.
gnomAD v4.1: 1 of 1,613,956 alleles (0.000062%); highest among the groups gnomAD compares: African/African-American, 0.0013%; no homozygotes.

Submissions (5):

Women's Health and Genetics/Laboratory Corporation of America, LabCorp
Classification: Uncertain significance. Last evaluated: 2025-02-19. Review status: criteria provided, single submitter. Criteria: LabCorp Variant Classification Summary - May 2015. Collection method: clinical testing. Allele origin: germline.
Comment: Variant summary: PEX6 c.719C>G (p.Ala240Gly) results in a non-conservative amino acid change in the encoded protein sequence. Three of five in-silico tools predict a damaging effect of the variant on protein function. The variant allele was found at a frequency of 4e-06 in 251454 control chromosomes. The available data on variant occurrences in the general population are insufficient to allow any conclusion about variant significance. To our knowledge, no occurrence of c.719C>G in individuals affected with Peroxisome Biogenesis Disorder and no experimental evidence demonstrating its impact on protein function have been reported. ClinVar contains an entry for this variant (Variation ID: 288056). Based on the evidence outlined above, the variant was classified as uncertain significance.

Ambry Genetics
Classification: Uncertain significance for Inborn genetic diseases. Last evaluated: 2024-10-01. Review status: criteria provided, single submitter. Criteria: Ambry Variant Classification Scheme 2023. Collection method: clinical testing. Allele origin: germline.

Labcorp Genetics (formerly Invitae), Labcorp
Classification: Uncertain significance for Peroxisome biogenesis disorder. Last evaluated: 2022-06-22. Review status: criteria provided, single submitter. Criteria: Invitae Variant Classification Sherloc (09022015). Collection method: clinical testing. Allele origin: germline.
Comment: This sequence change replaces alanine, which is neutral and non-polar, with glycine, which is neutral and non-polar, at codon 240 of the PEX6 protein (p.Ala240Gly). This variant is present in population databases (rs372269200, gnomAD 0.007%). This variant has not been reported in the literature in individuals affected with PEX6-related conditions. ClinVar contains an entry for this variant (Variation ID: 288056). Algorithms developed to predict the effect of missense changes on protein structure and function (SIFT, PolyPhen-2, Align-GVGD) all suggest that this variant is likely to be tolerated. Algorithms developed to predict the effect of sequence changes on RNA splicing suggest that this variant may create or strengthen a splice site. In summary, the available evidence is currently insufficient to determine the role of this variant in disease. Therefore, it has been classified as a Variant of Uncertain Significance.

Fulgent Genetics
Classification: Uncertain significance for Peroxisome biogenesis disorder 4A (Zellweger); Peroxisome biogenesis disorder 4B; Heimler syndrome 2. Last evaluated: 2018-10-31. Review status: criteria provided, single submitter. Criteria: ACMG Guidelines, 2015. Collection method: clinical testing. Allele origin: unknown.

Eurofins Ntd Llc (ga)
Classification: Uncertain significance. Last evaluated: 2016-05-19. Review status: criteria provided, single submitter. Criteria: EGL Classification Definitions 2015. Collection method: clinical testing. Allele origin: germline. Observed: 1 variant allele, 1 heterozygote.

NM_000287.4(PEX6):c.719C>G (p.Ala240Gly)

Gene: PEX6 (peroxisomal biogenesis factor 6; minus strand). Cytogenetic location: 6p21.1.
Variant type: single nucleotide variant.
Coding change: c.719C>G on transcript NM_000287.4 (MANE Select); coding-DNA position 719, C replaced by G.
Protein change: p.Ala240Gly; replaces alanine 240 with glycine.
Molecular consequence: missense variant. On other transcripts: non-coding transcript variant (1), intron variant (1).
Genome position (GRCh38, 1-based): chr6:42,978,432, G>C on the plus strand (C>G on the coding strand, the complement: PEX6 is on the minus strand). VCF-style: chr6-42978432-G-C. GRCh37 (hg19) VCF-style: chr6-42946170-G-C.
Other names: c.719C>G (NM_000287.3); c.618+101C>G (NM_001316313.2); short protein forms A240G.
Identifiers: ClinVar variation 288056 (VCV000288056.13), dbSNP rs372269200, ClinGen allele CA3811581.